The following is an entry in ClinVar:

ClinVar aggregate classification (germline): Likely benign. Review status: criteria provided, single submitter (1 of 4 stars). 2 submissions from 2 submitters: Likely benign (1). 1 of the submissions does not count toward it. Last evaluated 2026-01-01.

Conditions:
TBC1D20-related disorder. Also called: TBC1D20-related condition.

Allele frequency attached by ClinVar (database versions not stated): ExAC 0.00004; TOPMed 0.00014.
gnomAD v4.1: 59 of 1,613,986 alleles (0.0037%); highest among the groups gnomAD compares: Admixed American, 0.093%; 1 homozygote.

Submissions (2):

Labcorp Genetics (formerly Invitae), Labcorp
Classification: Likely benign. Last evaluated: 2026-01-01. Review status: criteria provided, single submitter. Criteria: Invitae Variant Classification Sherloc (09022015). Collection method: clinical testing. Allele origin: germline.

PreventionGenetics, part of Exact Sciences
Classification: Likely benign for TBC1D20-related condition. Last evaluated: 2024-02-21. Review status: no assertion criteria provided. Collection method: clinical testing. Allele origin: germline. Not counted in ClinVar's aggregate classification.
Comment: This variant is classified as likely benign based on ACMG/AMP sequence variant interpretation guidelines (Richards et al. 2015 PMID: 25741868, with internal and published modifications).

NM_144628.4(TBC1D20):c.609C>G (p.Leu203=)

Gene: TBC1D20 (TBC1 domain family member 20; minus strand). Cytogenetic location: 20p13.
Variant type: single nucleotide variant.
Coding change: c.609C>G on transcript NM_144628.4 (MANE Select); coding-DNA position 609, C replaced by G.
Protein change: p.Leu203=; no amino-acid change (leucine 203 retained).
Molecular consequence: synonymous variant. On other transcripts: non-coding transcript variant (1).
Genome position (GRCh38, 1-based): chr20:441,605, G>C on the plus strand (C>G on the coding strand, the complement: TBC1D20 is on the minus strand). VCF-style: chr20-441605-G-C. GRCh37 (hg19) VCF-style: chr20-422249-G-C.
Other names: c.609C>G (NM_144628.3).
Identifiers: ClinVar variation 1646227 (VCV001646227.10), dbSNP rs761106229, ClinGen allele CA9723593.